The following is an entry in ClinVar:

NM_030777.4(SLC2A10):c.878G>A (p.Arg293His)

Gene: SLC2A10 (solute carrier family 2 member 10; plus strand). Cytogenetic location: 20q13.12.
Variant type: single nucleotide variant.
Coding change: c.878G>A on transcript NM_030777.4 (MANE Select); coding-DNA position 878, G replaced by A.
Protein change: p.Arg293His; replaces arginine 293 with histidine.
Molecular consequence: missense variant.
Genome position (GRCh38, 1-based): chr20:46,725,914, G>A. VCF-style: chr20-46725914-G-A. GRCh37 (hg19) VCF-style: chr20-45354553-G-A.
Other names: p.R293H:CGT>CAT; short protein forms R293H.
Identifiers: ClinVar variation 213731 (VCV000213731.13), dbSNP rs770882223, ClinGen allele CA322074.

ClinVar aggregate classification (germline): Uncertain significance. Review status: criteria provided, multiple submitters, no conflicts (2 of 4 stars). 4 submissions from 4 submitters: Uncertain significance (4). Last evaluated 2025-05-01.

Conditions:
Familial thoracic aortic aneurysm and aortic dissection (TAAD). Also called: Thoracic aortic aneurysms and dissections. Identifiers: Orphanet 91387, MedGen C4707243, MONDO:0019625.
Arterial tortuosity syndrome (ATORS). Identifiers: Orphanet 3342, MedGen C1859726, MONDO:0008818, OMIM 208050.

Allele frequency attached by ClinVar (database versions not stated): ExAC 0.00001; gnomAD exomes 0.00001; TOPMed 0.00004; gnomAD 0.00005.
gnomAD v4.1: 61 of 1,613,936 alleles (0.0038%); highest among the groups gnomAD compares: Middle Eastern, 0.16%; no homozygotes.

Submissions (4):

ARUP Laboratories, Molecular Genetics and Genomics, ARUP Laboratories
Classification: Uncertain significance for Arterial tortuosity syndrome. Last evaluated: 2025-05-01. Review status: criteria provided, single submitter. Criteria: ARUP Molecular Germline Variant Investigation Process 2024. Collection method: clinical testing. Allele origin: germline.
Comment: The SLC2A10 c c.878G>A; p.Arg293His variant (rs770882223), to our knowledge, is not reported in the medical literature but is reported in ClinVar (Variation ID: 213731). This variant is only observed on four alleles in the Genome Aggregation Database (v2.1.1), but is considered a low confidence variant in the database. Computational analyses are uncertain whether this variant is neutral or deleterious (REVEL: 0.445). Due to limited information, the clinical significance of this variant is uncertain at this time.

Ambry Genetics
Classification: Uncertain significance for Familial thoracic aortic aneurysm and aortic dissection. Last evaluated: 2024-10-21. Review status: criteria provided, single submitter. Criteria: Ambry Variant Classification Scheme 2023. Collection method: clinical testing. Allele origin: germline.
Comment: The p.R293H variant (also known as c.878G>A), located in coding exon 2 of the SLC2A10 gene, results from a G to A substitution at nucleotide position 878. The arginine at codon 293 is replaced by histidine, an amino acid with highly similar properties. This amino acid position is well conserved in available vertebrate species. In addition, this alteration is predicted to be tolerated by in silico analysis. Based on the available evidence, the clinical significance of this variant remains unclear.

GeneDx
Classification: Uncertain significance. Last evaluated: 2023-09-27. Review status: criteria provided, single submitter. Criteria: GeneDx Variant Classification Process June 2021. Collection method: clinical testing. Allele origin: germline. Affected: yes.
Comment: Not observed at significant frequency in large population cohorts (gnomAD); In silico analysis supports that this missense variant has a deleterious effect on protein structure/function; Has not been previously published as pathogenic or benign to our knowledge

Labcorp Genetics (formerly Invitae), Labcorp
Classification: Uncertain significance for Arterial tortuosity syndrome. Last evaluated: 2022-06-27. Review status: criteria provided, single submitter. Criteria: Invitae Variant Classification Sherloc (09022015). Collection method: clinical testing. Allele origin: germline.
Comment: This sequence change replaces arginine, which is basic and polar, with histidine, which is basic and polar, at codon 293 of the SLC2A10 protein (p.Arg293His). The frequency data for this variant in the population databases is considered unreliable, as metrics indicate poor data quality at this position in the gnomAD database. This variant has not been reported in the literature in individuals affected with SLC2A10-related conditions. ClinVar contains an entry for this variant (Variation ID: 213731). Advanced modeling of protein sequence and biophysical properties (such as structural, functional, and spatial information, amino acid conservation, physicochemical variation, residue mobility, and thermodynamic stability) performed at Invitae indicates that this missense variant is not expected to disrupt SLC2A10 protein function. In summary, the available evidence is currently insufficient to determine the role of this variant in disease. Therefore, it has been classified as a Variant of Uncertain Significance.